The following is an entry in ClinVar:

NM_207352.4(CYP4V2):c.820A>C (p.Asn274His)

Gene: CYP4V2 (cytochrome P450 family 4 subfamily V member 2; plus strand). Cytogenetic location: 4q35.2.
Variant type: single nucleotide variant.
Coding change: c.820A>C on transcript NM_207352.4 (MANE Select); coding-DNA position 820, A replaced by C.
Protein change: p.Asn274His; replaces asparagine 274 with histidine.
Molecular consequence: missense variant.
Genome position (GRCh38, 1-based): chr4:186,201,175, A>C. VCF-style: chr4-186201175-A-C. GRCh37 (hg19) VCF-style: chr4-187122329-A-C.
Other names: short protein forms N274H.
Identifiers: ClinVar variation 1476160 (VCV001476160.5), dbSNP rs754726100, ClinGen allele CA3162673.

ClinVar aggregate classification (germline): Uncertain significance (1 of 4 stars; one submission).

Allele frequency attached by ClinVar (database versions not stated): gnomAD exomes below 0.00001; ExAC 0.00001; TOPMed 0.00002; gnomAD 0.00003 and 0.00004.
gnomAD v4.1: 10 of 1,614,096 alleles (0.00062%); highest among the groups gnomAD compares: African/African-American, 0.012%; no homozygotes.

Submission:

Labcorp Genetics (formerly Invitae), Labcorp
Classification: Uncertain significance. Last evaluated: 2023-08-04. Review status: criteria provided, single submitter. Criteria: Invitae Variant Classification Sherloc (09022015). Collection method: clinical testing. Allele origin: germline.
Comment: This sequence change replaces asparagine, which is neutral and polar, with histidine, which is basic and polar, at codon 274 of the CYP4V2 protein (p.Asn274His). This variant is present in population databases (rs754726100, gnomAD 0.008%). This variant has not been reported in the literature in individuals affected with CYP4V2-related conditions. In summary, the available evidence is currently insufficient to determine the role of this variant in disease. Therefore, it has been classified as a Variant of Uncertain Significance. Advanced modeling of protein sequence and biophysical properties (such as structural, functional, and spatial information, amino acid conservation, physicochemical variation, residue mobility, and thermodynamic stability) performed at Invitae indicates that this missense variant is not expected to disrupt CYP4V2 protein function. ClinVar contains an entry for this variant (Variation ID: 1476160).